The following is an entry in ClinVar:

NM_020975.6(RET):c.182A>C (p.Glu61Ala)

Gene: RET (ret proto-oncogene; plus strand). Cytogenetic location: 10q11.21.
Variant type: single nucleotide variant.
Coding change: c.182A>C on transcript NM_020975.6 (MANE Select); coding-DNA position 182, A replaced by C.
Protein change: p.Glu61Ala; replaces glutamic acid 61 with alanine.
Molecular consequence: missense variant.
Genome position (GRCh38, 1-based): chr10:43,100,567, A>C. VCF-style: chr10-43100567-A-C. GRCh37 (hg19) VCF-style: chr10-43596015-A-C.
Other names: c.182A>C, p.Glu61Ala (NM_001406769.1, NM_001406770.1, NM_001406771.1 and 34 more transcripts); short protein forms E61A.
Identifiers: ClinVar variation 584562 (VCV000584562.10), dbSNP rs1564489398, ClinGen allele CA376770261.

ClinVar aggregate classification (germline): Uncertain significance. Review status: criteria provided, multiple submitters, no conflicts (2 of 4 stars). 3 submissions from 3 submitters: Uncertain significance (3). Last evaluated 2022-04-05.

Conditions:
Multiple endocrine neoplasia, type 2 (MEN2). Identifiers: Orphanet 653, MedGen C4048306, MONDO:0019003. Disease mechanism: gain of function.
Hereditary cancer-predisposing syndrome. Also called: Neoplastic Syndromes, Hereditary; Hereditary Cancer Syndrome; Tumor predisposition; Hereditary neoplastic syndrome. Identifiers: Orphanet 140162, MedGen C0027672, MeSH D009386, MONDO:0015356.

Submissions (3):

Ambry Genetics
Classification: Uncertain significance for Hereditary cancer-predisposing syndrome. Last evaluated: 2022-04-05. Review status: criteria provided, single submitter. Criteria: Ambry Variant Classification Scheme 2023. Collection method: clinical testing. Allele origin: germline.
Comment: The p.E61A variant (also known as c.182A>C), located in coding exon 2 of the RET gene, results from an A to C substitution at nucleotide position 182. The glutamic acid at codon 61 is replaced by alanine, an amino acid with dissimilar properties. This amino acid position is poorly conserved in available vertebrate species. In addition, this alteration is predicted to be tolerated by in silico analysis. Since supporting evidence is limited at this time, the clinical significance of this alteration remains unclear.

Labcorp Genetics (formerly Invitae), Labcorp
Classification: Uncertain significance for Multiple endocrine neoplasia, type 2. Last evaluated: 2022-03-06. Review status: criteria provided, single submitter. Criteria: Invitae Variant Classification Sherloc (09022015). Collection method: clinical testing. Allele origin: germline.
Comment: In summary, the available evidence is currently insufficient to determine the role of this variant in disease. Therefore, it has been classified as a Variant of Uncertain Significance. Algorithms developed to predict the effect of missense changes on protein structure and function (SIFT, PolyPhen-2, Align-GVGD) all suggest that this variant is likely to be tolerated. ClinVar contains an entry for this variant (Variation ID: 584562). This variant has not been reported in the literature in individuals affected with RET-related conditions. This variant is not present in population databases (gnomAD no frequency). This sequence change replaces glutamic acid, which is acidic and polar, with alanine, which is neutral and non-polar, at codon 61 of the RET protein (p.Glu61Ala).

GeneKor MSA
Classification: Uncertain significance for Hereditary cancer-predisposing syndrome. Last evaluated: 2018-08-01. Review status: criteria provided, single submitter. Criteria: ACMG Guidelines, 2015. Collection method: clinical testing. Allele origin: germline. Affected: yes.